The following is an entry in ClinVar:

ClinVar aggregate classification (germline): Uncertain significance. Review status: criteria provided, multiple submitters, no conflicts (2 of 4 stars). 2 submissions from 2 submitters: Uncertain significance (2). Last evaluated 2025-12-19.

Submissions (2):

Labcorp Genetics (formerly Invitae), Labcorp
Classification: Uncertain significance. Last evaluated: 2025-12-19. Review status: criteria provided, single submitter. Criteria: Invitae Variant Classification Sherloc (09022015). Collection method: clinical testing. Allele origin: germline.
Comment: This sequence change replaces tyrosine, which is neutral and polar, with cysteine, which is neutral and slightly polar, at codon 348 of the COL11A2 protein (p.Tyr348Cys). This variant is not present in population databases (gnomAD no frequency). This variant has not been reported in the literature in individuals affected with COL11A2-related conditions. ClinVar contains an entry for this variant (Variation ID: 1476364). Invitae Evidence Modeling of protein sequence and biophysical properties (such as structural, functional, and spatial information, amino acid conservation, physicochemical variation, residue mobility, and thermodynamic stability) indicates that this missense variant is not expected to disrupt COL11A2 protein function with a negative predictive value of 95%. In summary, the available evidence is currently insufficient to determine the role of this variant in disease. Therefore, it has been classified as a Variant of Uncertain Significance.

GeneDx
Classification: Uncertain significance. Last evaluated: 2025-04-14. Review status: criteria provided, single submitter. Criteria: GeneDx Variant Classification Process June 2021. Collection method: clinical testing. Allele origin: germline. Affected: yes.
Comment: Not observed at significant frequency in large population cohorts (gnomAD); In silico analysis supports that this missense variant has a deleterious effect on protein structure/function; Has not been previously published as pathogenic or benign to our knowledge

NM_080680.3(COL11A2):c.1043A>G (p.Tyr348Cys)

Gene: COL11A2 (collagen type XI alpha 2 chain; minus strand). Cytogenetic location: 6p21.32.
Variant type: single nucleotide variant.
Coding change: c.1043A>G on transcript NM_080680.3 (MANE Select); coding-DNA position 1043, A replaced by G.
Protein change: p.Tyr348Cys; replaces tyrosine 348 with cysteine.
Molecular consequence: missense variant. On other transcripts: intron variant (2).
Genome position (GRCh38, 1-based): chr6:33,184,221, T>C on the plus strand (A>G on the coding strand, the complement: COL11A2 is on the minus strand). VCF-style: chr6-33184221-T-C. GRCh37 (hg19) VCF-style: chr6-33151998-T-C.
Other names: c.1043A>G (NM_080680.2); c.798+2406A>G (NM_080679.3); c.861+771A>G (NM_080681.3); short protein forms Y348C.
Identifiers: ClinVar variation 1476364 (VCV001476364.8), dbSNP rs1024797774, ClinGen allele CA137052968.